The following is an entry in ClinVar:

NM_002519.3(NPAT):c.2609C>T (p.Thr870Ile)

Gene: NPAT (nuclear protein, coactivator of histone transcription; minus strand). Cytogenetic location: 11q22.3.
Variant type: single nucleotide variant.
Coding change: c.2609C>T on transcript NM_002519.3 (MANE Select); coding-DNA position 2609, C replaced by T.
Protein change: p.Thr870Ile; replaces threonine 870 with isoleucine.
Molecular consequence: missense variant.
Genome position (GRCh38, 1-based): chr11:108,172,375, G>A on the plus strand (C>T on the coding strand, the complement: NPAT is on the minus strand). VCF-style: chr11-108172375-G-A. GRCh37 (hg19) VCF-style: chr11-108043102-G-A.
Other names: c.2609C>T, p.Thr870Ile (NM_001321307.1); short protein forms T870I.
Identifiers: ClinVar variation 1793761 (VCV001793761.2), dbSNP rs2496716630, ClinGen allele CA382512607.
Genomic context (GRCh38, chr11:108,172,375, plus strand): 5'-AACACCACTACATTAGACTGACTTACAGATGTTCCTAACGCTGTTGGATCAGTCACACAG[G>A]TAGCTATCAGAATGTTATTTGAATTGCCAAAAGCTGTGCTTGTGGCTGGCATCAACTGTA-3'
Protein context (NP_002510.2, residues 860-880): FGNSNNILIA[Thr870Ile]CVTDPTALGT

ClinVar aggregate classification (germline): Uncertain significance (1 of 4 stars; one submission).

Submission:

Ambry Genetics
Classification: Uncertain significance. Last evaluated: 2023-11-28. Review status: criteria provided, single submitter. Criteria: Ambry Variant Classification Scheme 2023. Collection method: clinical testing. Allele origin: germline.
Comment: The p.T870I variant (also known as c.2609C>T), located in coding exon 13 of the NPAT gene, results from a C to T substitution at nucleotide position 2609. The threonine at codon 870 is replaced by isoleucine, an amino acid with similar properties. This amino acid position is conserved. In addition, the in silico prediction for this alteration is inconclusive. Since supporting evidence is limited at this time, the clinical significance of this alteration remains unclear.